The following is an entry in ClinVar:

NM_000257.4(MYH7):c.111C>T (p.Val37=)

Gene: MYH7 (myosin heavy chain 7; minus strand). Cytogenetic location: 14q11.2.
Variant type: single nucleotide variant.
Coding change: c.111C>T on transcript NM_000257.4 (MANE Select); coding-DNA position 111, C replaced by T.
Protein change: p.Val37=; no amino-acid change (valine 37 retained).
Molecular consequence: synonymous variant.
Genome position (GRCh38, 1-based): chr14:23,433,622, G>A on the plus strand (C>T on the coding strand, the complement: MYH7 is on the minus strand). VCF-style: chr14-23433622-G-A. GRCh37 (hg19) VCF-style: chr14-23902831-G-A.
Identifiers: ClinVar variation 1107529 (VCV001107529.10), dbSNP rs1339202491, ClinGen allele CA485627144.

ClinVar aggregate classification (germline): Likely benign. Review status: criteria provided, multiple submitters, no conflicts (2 of 4 stars). 2 submissions from 2 submitters: Likely benign (2). Last evaluated 2023-09-04.

Conditions:
Hypertrophic cardiomyopathy. Also called: HYPERTROPHIC MYOCARDIOPATHY. Identifiers: Orphanet 217569, MedGen C0007194, MeSH D002312, MONDO:0005045, HP:0001639.
Cardiomyopathy (CMYO). Also called: Cardiomyopathies. Identifiers: Orphanet 167848, MedGen C0878544, MONDO:0004994, HP:0001638. Inheritance: Various modes of inheritance.

Allele frequency attached by ClinVar (database versions not stated): gnomAD exomes below 0.00001.
gnomAD v4.1: 1 of 1,614,256 alleles (0.000062%); highest among the groups gnomAD compares: South Asian, 0.0011%; no homozygotes.

Submissions (2):

All of Us Research Program, National Institutes of Health
Classification: Likely benign for Cardiomyopathy. Last evaluated: 2023-09-04. Review status: criteria provided, single submitter. Criteria: ACMG Guidelines, 2015. Collection method: clinical testing. Allele origin: germline. Inheritance: Autosomal dominant inheritance. Observed: 1 variant allele, 1 heterozygote.
Comment: This study involves interpretation of variants in research participants for the purpose of population health screening. Participant phenotype was not available at the time of variant classification. Additional details can be found in publication PMID: 35346344, PMCID: PMC8962531

Labcorp Genetics (formerly Invitae), Labcorp
Classification: Likely benign for Hypertrophic cardiomyopathy. Last evaluated: 2022-02-04. Review status: criteria provided, single submitter. Criteria: Invitae Variant Classification Sherloc (09022015). Collection method: clinical testing. Allele origin: germline.